The following is an entry in ClinVar:

NM_000026.4(ADSL):c.863G>C (p.Gly288Ala)

Gene: ADSL (adenylosuccinate lyase; plus strand). Cytogenetic location: 22q13.1.
Variant type: single nucleotide variant.
Coding change: c.863G>C on transcript NM_000026.4 (MANE Select); coding-DNA position 863, G replaced by C.
Protein change: p.Gly288Ala; replaces glycine 288 with alanine.
Molecular consequence: missense variant. On other transcripts: non-coding transcript variant (1).
Genome position (GRCh38, 1-based): chr22:40,361,488, G>C. VCF-style: chr22-40361488-G-C. GRCh37 (hg19) VCF-style: chr22-40757492-G-C.
Other names: c.863G>C, p.Gly288Ala (NM_001123378.3, NM_001363840.3); c.671G>C, p.Gly224Ala (NM_001317923.2); c.863G>C (NM_000026.2); short protein forms G224A, G288A.
Identifiers: ClinVar variation 1400304 (VCV001400304.8), dbSNP rs776328750, ClinGen allele CA10247860.
Genomic context (GRCh38, chr22:40,361,488, plus strand): 5'-TACTCACTATCCTCTGAAGTCTCTCTGCCTTTGCATCTTGTCCTTTTTTTACATGGGCAG[G>C]CTCAAGTGCGATGCCATATAAGCGGAATCCCATGCGTTCAGAACGTTGCTGCAGTCTTGC-3'
Protein context (NP_000017.1, residues 278-298): MEEPFEKQQI[Gly288Ala]SSAMPYKRNP

ClinVar aggregate classification (germline): Uncertain significance. Review status: criteria provided, multiple submitters, no conflicts (2 of 4 stars). 2 submissions from 2 submitters: Uncertain significance (2). Last evaluated 2024-02-17.

Conditions:
Adenylosuccinate lyase deficiency (ADSLD). Also called: ADSL DEFICIENCY. Identifiers: Orphanet 46, MedGen C0268126, MONDO:0007068, OMIM 103050.

Allele frequency attached by ClinVar (database versions not stated): gnomAD 0.00001; gnomAD exomes 0.00001; ExAC 0.00002.
gnomAD v4.1: 13 of 1,614,052 alleles (0.00081%); highest among the groups gnomAD compares: Non-Finnish European, 0.00093%; no homozygotes.

Submissions (2):

Labcorp Genetics (formerly Invitae), Labcorp
Classification: Uncertain significance for Adenylosuccinate lyase deficiency. Last evaluated: 2024-02-17. Review status: criteria provided, single submitter. Criteria: Invitae Variant Classification Sherloc (09022015). Collection method: clinical testing. Allele origin: germline.
Comment: This sequence change replaces glycine, which is neutral and non-polar, with alanine, which is neutral and non-polar, at codon 288 of the ADSL protein (p.Gly288Ala). This variant is present in population databases (rs776328750, gnomAD 0.0009%). This variant has not been reported in the literature in individuals affected with ADSL-related conditions. ClinVar contains an entry for this variant (Variation ID: 1400304). An algorithm developed to predict the effect of missense changes on protein structure and function (PolyPhen-2) suggests that this variant is likely to be disruptive. In summary, the available evidence is currently insufficient to determine the role of this variant in disease. Therefore, it has been classified as a Variant of Uncertain Significance.

GeneDx
Classification: Uncertain significance. Last evaluated: 2023-02-23. Review status: criteria provided, single submitter. Criteria: GeneDx Variant Classification Process June 2021. Collection method: clinical testing. Allele origin: germline. Affected: yes.
Comment: Not observed at significant frequency in large population cohorts (gnomAD); In silico analysis supports that this missense variant has a deleterious effect on protein structure/function; Has not been previously published as pathogenic or benign to our knowledge